The following is an entry in ClinVar:

NM_001100913.3(PACS2):c.80C>T (p.Thr27Ile)

Genes: BRF1 (BRF1 general transcription factor IIIB subunit; minus strand), PACS2 (phosphofurin acidic cluster sorting protein 2; plus strand), LOC130056677 (ATAC-STARR-seq lymphoblastoid silent region 6228; plus strand). Cytogenetic location: 14q32.33.
Variant type: single nucleotide variant.
Coding change: c.80C>T on transcript NM_001100913.3 (MANE Select); coding-DNA position 80, C replaced by T.
Protein change: p.Thr27Ile; replaces threonine 27 with isoleucine.
Molecular consequence: missense variant. On other transcripts: intron variant (4).
Genome position (GRCh38, 1-based): chr14:105,314,998, C>T. VCF-style: chr14-105314998-C-T. GRCh37 (hg19) VCF-style: chr14-105781335-C-T.
Other names: c.80C>T, p.Thr27Ile (NM_015197.4); c.-162+324G>A (NM_001440451.1, NM_001242787.2, NM_001242786.2); c.-83+14019C>T (NM_001243127.3); short protein forms T27I.
Identifiers: ClinVar variation 2014760 (VCV002014760.4), dbSNP rs1444165624, ClinGen allele CA391191752.

ClinVar aggregate classification (germline): Uncertain significance (1 of 4 stars; one submission).

Allele frequency attached by ClinVar (database versions not stated): TOPMed below 0.00001; gnomAD 0.00001.

Submission:

Labcorp Genetics (formerly Invitae), Labcorp
Classification: Uncertain significance. Last evaluated: 2022-09-09. Review status: criteria provided, single submitter. Criteria: Invitae Variant Classification Sherloc (09022015). Collection method: clinical testing. Allele origin: germline.
Comment: This variant is not present in population databases (gnomAD no frequency). This sequence change replaces threonine, which is neutral and polar, with isoleucine, which is neutral and non-polar, at codon 27 of the PACS2 protein (p.Thr27Ile). This variant has not been reported in the literature in individuals affected with PACS2-related conditions. Algorithms developed to predict the effect of missense changes on protein structure and function are either unavailable or do not agree on the potential impact of this missense change (SIFT: "Deleterious"; PolyPhen-2: "Possibly Damaging"; Align-GVGD: "Class C0"). In summary, the available evidence is currently insufficient to determine the role of this variant in disease. Therefore, it has been classified as a Variant of Uncertain Significance.